The following is an entry in ClinVar:

ClinVar aggregate classification (germline): Uncertain significance (1 of 4 stars; one submission).

Conditions:
Menke-Hennekam syndrome 2 (MKHK2). Identifiers: MedGen C5193035, MONDO:0020769, OMIM 618333.
Rubinstein-Taybi syndrome due to EP300 haploinsufficiency. Also called: EP300-Related Rubinstein-Taybi Syndrome; RUBINSTEIN-TAYBI SYNDROME 2. Identifiers: Orphanet 353284, Orphanet 783, MedGen C3150941, MONDO:0013364, OMIM 613684.

Allele frequency attached by ClinVar (database versions not stated): gnomAD exomes 0.00001; TOPMed 0.00001.

Submission:

Genetics and Molecular Pathology, SA Pathology
Classification: Uncertain significance for Rubinstein-Taybi syndrome due to EP300 haploinsufficiency; Menke-Hennekam syndrome 2. Last evaluated: 2023-01-11. Review status: criteria provided, single submitter. Criteria: ACMG Guidelines, 2015. Collection method: clinical testing. Allele origin: germline. Inheritance: Autosomal dominant inheritance. Affected: yes.
Comment: The EP300 c.3098C>T variant is classified as VUS (PM2) The EP300 c.3098C>T variant is a single nucleotide change in exon 16/31 of the EP300 gene, which is predicted to change the amino acid serine at position 1033 in the protein to leucine. This variant is absent from population databases (PM2). The variant has been reported in dbSNP (rs1601621541). It has not been reported in ClinVar or HGMD.

NM_001429.4(EP300):c.3098C>T (p.Ser1033Leu)

Genes: EP300 (EP300 lysine acetyltransferase; plus strand), LOC126863158 (BRD4-independent group 4 enhancer GRCh37_chr22:41547383-41548582; plus strand). Cytogenetic location: 22q13.2.
Variant type: single nucleotide variant.
Coding change: c.3098C>T on transcript NM_001429.4 (MANE Select); coding-DNA position 3098, C replaced by T.
Protein change: p.Ser1033Leu; replaces serine 1033 with leucine.
Molecular consequence: missense variant.
Genome position (GRCh38, 1-based): chr22:41,152,306, C>T. VCF-style: chr22-41152306-C-T. GRCh37 (hg19) VCF-style: chr22-41548310-C-T.
Other names: c.3020C>T, p.Ser1007Leu (NM_001362843.2); short protein forms S1007L, S1033L.
Identifiers: ClinVar variation 2664799 (VCV002664799.1), dbSNP rs1601621541, ClinGen allele CA411693391.